The following is an entry in ClinVar:

NM_000458.4(HNF1B):c.314A>G (p.Glu105Gly)

Gene: HNF1B (HNF1 homeobox B; minus strand). Cytogenetic location: 17q12.
Variant type: single nucleotide variant.
Coding change: c.314A>G on transcript NM_000458.4 (MANE Select); coding-DNA position 314, A replaced by G.
Protein change: p.Glu105Gly; replaces glutamic acid 105 with glycine.
Molecular consequence: missense variant.
Genome position (GRCh38, 1-based): chr17:37,744,571, T>C on the plus strand (A>G on the coding strand, the complement: HNF1B is on the minus strand). VCF-style: chr17-37744571-T-C. GRCh37 (hg19) VCF-style: chr17-36104562-T-C.
Other names: c.314A>G, p.Glu105Gly (NM_001165923.4, NM_001304286.2); c.314A>G (NM_000458.3); short protein forms E105G.
Identifiers: ClinVar variation 805638 (VCV000805638.5), dbSNP rs375625110, ClinGen allele CA8519116.

ClinVar aggregate classification (germline): Conflicting classifications of pathogenicity. Review status: criteria provided, conflicting classifications (1 of 4 stars). 3 submissions from 3 submitters: Uncertain significance (2); Likely benign (1). Last evaluated 2025-03-05.

Conditions:
HNF1B-related disorder. Also called: HNF1B-related disorders; HNF1B-related condition.
Type 2 diabetes mellitus. Also called: Type II diabetes mellitus. Identifiers: MedGen C0011860, MeSH D003924, MONDO:0005148, OMIM 125853, HP:0005978.
Nonpapillary renal cell carcinoma. Identifiers: Orphanet 422526, MedGen CN074294, MONDO:0007763, OMIM 144700.
Renal cysts and diabetes syndrome (RCAD). Also called: Familial hypoplastic, glomerulocystic kidney; MATURITY-ONSET DIABETES OF THE YOUNG, TYPE 5. Identifiers: Orphanet 93111, MedGen C0431693, MONDO:0007669, OMIM 137920.

Allele frequency attached by ClinVar (database versions not stated): gnomAD 0.00002; gnomAD exomes 0.00002 and 0.00003; ExAC 0.00003; TOPMed 0.00004; ESP Exome Variant Server 0.00023.
gnomAD v4.1: 50 of 1,605,490 alleles (0.0031%); highest among the groups gnomAD compares: Non-Finnish European, 0.0042%; no homozygotes.

Submissions (3):

PreventionGenetics, part of Exact Sciences
Classification: Uncertain significance for HNF1B-related condition. Last evaluated: 2025-03-05. Review status: criteria provided, single submitter. Criteria: ACMG Guidelines, 2015. Collection method: clinical testing. Allele origin: germline.
Comment: The HNF1B c.314A>G variant is predicted to result in the amino acid substitution p.Glu105Gly. To our knowledge, this variant has not been reported in the literature. This variant is reported in 0.0041% of alleles in individuals of African descent in gnomAD. At this time, the clinical significance of this variant is uncertain due to the absence of conclusive functional and genetic evidence.

Fulgent Genetics
Classification: Likely benign for Type 2 diabetes mellitus; Renal cysts and diabetes syndrome; Nonpapillary renal cell carcinoma. Last evaluated: 2024-06-12. Review status: criteria provided, single submitter. Criteria: ACMG Guidelines, 2015. Collection method: clinical testing. Allele origin: germline.

Athena Diagnostics
Classification: Uncertain significance. Last evaluated: 2019-07-19. Review status: criteria provided, single submitter. Criteria: Athena Diagnostics Criteria. Collection method: clinical testing. Allele origin: germline.